The following is an entry in ClinVar:

ClinVar aggregate classification (germline): Uncertain significance (1 of 4 stars; one submission).

Conditions:
FGFR2-related disorder. Identifiers: MedGen CN380096.

Allele frequency attached by ClinVar (database versions not stated): gnomAD exomes below 0.00001; TOPMed below 0.00001.
gnomAD v4.1: 2 of 1,613,874 alleles (0.00012%); highest among the groups gnomAD compares: Non-Finnish European, 0.00017%; no homozygotes.

Submission:

Clinical Genomics Laboratory, Washington University in St. Louis
Classification: Uncertain significance for FGFR2-related conditions. Last evaluated: 2023-09-06. Review status: criteria provided, single submitter. Criteria: ACMG Guidelines, 2015. Collection method: clinical testing. Allele origin: germline.
Comment: The FGFR2 c.1864-9T>G variant was found at a near heterozygous allelic fraction. This variant, to our knowledge, has not been reported in the medical literature. This variant is absent from the general population (gnomAD v.3.1.2), indicating it is not a common variant. Computational predictors suggest that this intronic variant does not impact the function of the FGFR2 gene product. Due to limited information and based on ACMG/AMP guidelines for variant interpretation (Richards S et al., PMID: 25741868), the clinical significance of this variant is uncertain at this time.

NM_000141.5(FGFR2):c.1864-9T>G

Gene: FGFR2 (fibroblast growth factor receptor 2; minus strand). Cytogenetic location: 10q26.13.
Variant type: single nucleotide variant.
Coding change: c.1864-9T>G on transcript NM_000141.5 (MANE Select); 9 bases into the intron before coding-DNA position 1864, T replaced by G.
Molecular consequence: intron variant.
Genome position (GRCh38, 1-based): chr10:121,488,122, A>C on the plus strand (T>G on the coding strand, the complement: FGFR2 is on the minus strand). VCF-style: chr10-121488122-A-C. GRCh37 (hg19) VCF-style: chr10-123247636-A-C.
Other names: c.1528-9T>G (NM_001144914.1); c.1513-9T>G (NM_001144918.2, NM_001441091.1); c.1519-9T>G (NM_001441090.1, NM_001144916.2); c.1591-9T>G (NM_001441089.1); c.1597-9T>G (NM_023029.3, NM_001144915.2); c.1594-9T>G (NM_001441088.1); c.1516-9T>G (NM_001144917.2); c.1858-9T>G (NM_001320658.2); and 4 more.
Identifiers: ClinVar variation 2672124 (VCV002672124.1), dbSNP rs927667261, ClinGen allele CA214290100.